The following is an entry in ClinVar:

NM_007294.4(BRCA1):c.745_746del (p.Thr248_Thr249insTer)

Gene: BRCA1 (BRCA1 DNA repair associated; minus strand). Cytogenetic location: 17q21.31.
Variant type: Deletion.
Coding change: c.745_746del on transcript NM_007294.4 (MANE Select); coding-DNA positions 745 to 746, 2 bases deleted (AC; older notation c.745_746delAC).
Protein change: p.Thr248_Thr249insTer.
Molecular consequence: nonsense. On other transcripts: frameshift variant (352), non-coding transcript variant (1).
Genome position (GRCh38, 1-based): chr17:43,094,785-43,094,786, GT deleted on the plus strand (AC on the coding strand, the reverse complement: BRCA1 is on the minus strand); deleting any 2 consecutive bases within chr17:43,094,785-43,094,787 gives the same sequence; the c. name uses the placement nearest the transcript's 3' end. VCF-style (leftmost placement, unchanged base first): chr17-43094784-AGT-A. GRCh37 (hg19) VCF-style: chr17-41246801-AGT-A.
Other names: c.745_746delAC (NM_007294.3); c.600_601delCA, p.Thr201Terfs (NM_001407740.1, NM_001407741.1, NM_001407742.1 and 26 more transcripts); c.603_604delCA, p.Thr202Terfs (NM_001407750.1, NM_001407751.1, NM_001407752.1 and 42 more transcripts); c.531_532delCA, p.Thr178Terfs (NM_001407853.1, NM_001407894.1, NM_001407895.1 and 12 more transcripts); c.744_745delCA, p.Thr249Terfs (NM_001407854.1, NM_001407858.1, NM_001407859.1 and 53 more transcripts); c.741_742delCA, p.Thr248Terfs (NM_001407860.1, NM_001407861.1, NM_001407972.1 and 38 more transcripts); c.543_544delCA, p.Thr182Terfs (NM_001407862.1, NM_001408474.1, NM_001408476.1); c.621_622delCA, p.Thr208Terfs (NM_001407863.1, NM_001407919.1, NM_001407937.1 and 34 more transcripts); and 17 more.
Identifiers: ClinVar variation 254379 (VCV000254379.13), dbSNP rs886037978, ClinGen allele CA10586666.

ClinVar aggregate classification (germline): Pathogenic. Review status: reviewed by expert panel (3 of 4 stars). 2 submissions from 2 submitters: Pathogenic (1). 1 of the submissions does not count toward it. Last evaluated 2016-09-08.

Conditions:
Hereditary breast ovarian cancer syndrome. Also called: Hereditary breast and ovarian cancer syndrome (HBOC); Breast and ovarian cancer; Hereditary breast and ovarian cancer syndrome; Hereditary breast and ovarian cancer; BRCA1- and BRCA2-Associated Hereditary Breast and Ovarian Cancer; Hereditary breast and/or ovarian cancer syndrome. Identifiers: Orphanet 145, MedGen C0677776, MeSH D061325, MONDO:0003582. Disease mechanism: loss of function.
Breast-ovarian cancer, familial, susceptibility to, 1 (BROVCA1). Also called: BRCA1 Hereditary Breast and Ovarian Cancer; OVARIAN CANCER, SUSCEPTIBILITY TO. Identifiers: Orphanet 145, MedGen C2676676, MONDO:0011450, OMIM 604370. Disease mechanism: loss of function.

Submissions (2):

Evidence-based Network for the Interpretation of Germline Mutant Alleles (ENIGMA)
Classification: Pathogenic for Breast-ovarian cancer, familial, susceptibility to, 1. Last evaluated: 2016-09-08. Review status: reviewed by expert panel. Criteria: ENIGMA BRCA1/2 Classification Criteria (2015). Collection method: curation. Allele origin: germline.
Comment: Variant allele predicted to encode a truncated non-functional protein.

Labcorp Genetics (formerly Invitae), Labcorp
Classification: Pathogenic for Hereditary breast ovarian cancer syndrome. Last evaluated: 2022-06-13. Review status: criteria provided, single submitter. Criteria: Invitae Variant Classification Sherloc (09022015). Collection method: clinical testing. Allele origin: germline. Not counted in ClinVar's aggregate classification.
Comment: This premature translational stop signal has been observed in individual(s) with BRCA1-related conditions (PMID: 21520333). For these reasons, this variant has been classified as Pathogenic. ClinVar contains an entry for this variant (Variation ID: 254379). This variant is not present in population databases (gnomAD no frequency). This sequence change creates a premature translational stop signal (p.Thr249*) in the BRCA1 gene. It is expected to result in an absent or disrupted protein product. Loss-of-function variants in BRCA1 are known to be pathogenic (PMID: 20104584).

Literature cited by the submitters: PubMed 21520333 (cited by Labcorp Genetics (formerly Invitae), Labcorp); PubMed 20104584 (cited by Labcorp Genetics (formerly Invitae), Labcorp).